The following is an entry in ClinVar:

NM_031263.4(HNRNPK):c.980_983dup (p.Pro329fs)

Gene: HNRNPK (heterogeneous nuclear ribonucleoprotein K; minus strand). Cytogenetic location: 9q21.32.
Variant type: Duplication.
Coding change: c.980_983dup on transcript NM_031263.4 (MANE Select); coding-DNA positions 980 to 983, 4 bases duplicated (GGAG; older notation c.980_983dupGGAG).
Protein change: p.Pro329fs; shifts the reading frame from proline 329.
Molecular consequence: frameshift variant.
Genome position (GRCh38, 1-based): chr9:83,971,697-83,971,700, CTCC duplicated on the plus strand (GGAG on the coding strand, the reverse complement: HNRNPK is on the minus strand); duplicating any 4 consecutive bases within chr9:83,971,697-83,971,703 gives the same sequence; the c. name uses the placement nearest the transcript's 3' end. VCF-style (leftmost placement, unchanged base first): chr9-83971696-T-TCTCC. GRCh37 (hg19) VCF-style: chr9-86586611-T-TCTCC.
Other names: c.908_911dup, p.Pro305fs (NM_001318186.2, NM_001318187.2); c.980_983dup, p.Pro329fs (NM_001318188.2, NM_002140.5, NM_031262.4); short protein forms P305fs, P329fs.
Identifiers: ClinVar variation 3775970 (VCV003775970.1).

ClinVar aggregate classification (germline): Likely pathogenic (1 of 4 stars; one submission).

Conditions:
Au-Kline syndrome. Also called: Neurodevelopmental disorder-craniofacial dysmorphism-cardiac defect-hip dysplasia syndrome due to a point mutation; Okamoto syndrome. Identifiers: Orphanet 2729, Orphanet 453499, Orphanet 453504, MedGen C4225274, MONDO:0014700, OMIM 616580.

Submission:

3billion
Classification: Likely pathogenic for Au-Kline syndrome. Last evaluated: 2023-09-06. Review status: criteria provided, single submitter. Criteria: ACMG Guidelines, 2015. Collection method: clinical testing. Allele origin: germline. Affected: yes.
Comment: The variant is not observed in the gnomAD v2.1.1 dataset. Predicted Consequence/Location: Frameshift: predicted to result in a loss or disruption of normal protein function through nonsense-mediated decay (NMD) or protein truncation. Multiple pathogenic variants are reported downstream of the variant. Therefore, this variant is classified as Likely pathogenic according to the recommendation of ACMG/AMP guideline.